The following is an entry in ClinVar:

ClinVar aggregate classification (germline): Pathogenic (1 of 4 stars; one submission).

Conditions:
Nephrotic syndrome, type 3 (NPHS3). Also called: NEPHROTIC SYNDROME, EARLY-ONSET, TYPE 3. Identifiers: Orphanet 656, MedGen C1853124, MONDO:0012546, OMIM 610725.

Submission:

Institute of Human Genetics, University of Leipzig Medical Center
Classification: Pathogenic for Nephrotic syndrome, type 3. Last evaluated: 2024-10-14. Review status: criteria provided, single submitter. Criteria: ACMG Guidelines, 2015. Collection method: clinical testing. Allele origin: unknown. Inheritance: Autosomal recessive inheritance. Affected: yes.
Comment: Criteria applied: PVS1,PM2

NM_016341.4(PLCE1):c.3768del (p.Asn1257fs)

Gene: PLCE1 (phospholipase C epsilon 1; plus strand). Cytogenetic location: 10q23.33.
Variant type: Deletion.
Coding change: c.3768del on transcript NM_016341.4 (MANE Select); coding-DNA position 3768, one base deleted (C; older notation c.3768delC).
Protein change: p.Asn1257fs; shifts the reading frame from asparagine 1257.
Molecular consequence: frameshift variant.
Genome position (GRCh38, 1-based): chr10:94,259,104, C deleted; the last of 2 consecutive C bases (chr10:94,259,103-94,259,104); deleting either gives the same sequence. VCF-style (leftmost placement, unchanged base first): chr10-94259102-AC-A. GRCh37 (hg19) VCF-style: chr10-96018859-AC-A.
Other names: c.2844del, p.Asn949fs (NM_001165979.2); c.3720del, p.Asn1241fs (NM_001288989.2); short protein forms N1241fs, N1257fs, N949fs.
Identifiers: ClinVar variation 3376124 (VCV003376124.3).